The following is an entry in ClinVar:

ClinVar aggregate classification (germline): Uncertain significance. Review status: criteria provided, multiple submitters, no conflicts (2 of 4 stars). 2 submissions from 2 submitters: Uncertain significance (2). Last evaluated 2023-11-27.

Allele frequency attached by ClinVar (database versions not stated): gnomAD exomes below 0.00001.
gnomAD v4.1: 1 of 1,614,054 alleles (0.000062%); highest among the groups gnomAD compares: Non-Finnish European, 0.000085%; no homozygotes.

Submissions (2):

Labcorp Genetics (formerly Invitae), Labcorp
Classification: Uncertain significance. Last evaluated: 2023-11-27. Review status: criteria provided, single submitter. Criteria: Invitae Variant Classification Sherloc (09022015). Collection method: clinical testing. Allele origin: germline.
Comment: This sequence change creates a premature translational stop signal (p.Arg331*) in the NACC1 gene. It is expected to result in an absent or disrupted protein product. However, the current clinical and genetic evidence is not sufficient to establish whether loss-of-function variants in NACC1 cause disease. This variant is not present in population databases (gnomAD no frequency). This variant has not been reported in the literature in individuals affected with NACC1-related conditions. ClinVar contains an entry for this variant (Variation ID: 1992876). In summary, the available evidence is currently insufficient to determine the role of this variant in disease. Therefore, it has been classified as a Variant of Uncertain Significance.

GeneDx
Classification: Uncertain significance. Last evaluated: 2023-05-01. Review status: criteria provided, single submitter. Criteria: GeneDx Variant Classification Process June 2021. Collection method: clinical testing. Allele origin: germline. Affected: yes.
Comment: Not observed at significant frequency in large population cohorts (gnomAD); Nonsense variant predicted to result in protein truncation or nonsense mediated decay in a gene or region of a gene for which loss of function is not a well-established mechanism of disease; Has not been previously published as pathogenic or benign to our knowledge

NM_052876.4(NACC1):c.991C>T (p.Arg331Ter)

Gene: NACC1 (nucleus accumbens associated 1; plus strand). Cytogenetic location: 19p13.13.
Variant type: single nucleotide variant.
Coding change: c.991C>T on transcript NM_052876.4 (MANE Select); coding-DNA position 991, C replaced by T.
Protein change: p.Arg331Ter; replaces arginine 331 with a stop codon.
Molecular consequence: nonsense.
Genome position (GRCh38, 1-based): chr19:13,136,276, C>T. VCF-style: chr19-13136276-C-T. GRCh37 (hg19) VCF-style: chr19-13247090-C-T.
Other names: c.991C>T (NM_052876.3); short protein forms R331*.
Identifiers: ClinVar variation 1992876 (VCV001992876.5), dbSNP rs2513136714, ClinGen allele CA404327243.